The following is an entry in ClinVar:

NM_000132.4(F8):c.5170A>T (p.Arg1724Trp)

Gene: F8 (coagulation factor VIII; minus strand). Cytogenetic location: Xq28.
Variant type: single nucleotide variant.
Coding change: c.5170A>T on transcript NM_000132.4 (MANE Select); coding-DNA position 5170, A replaced by T.
Protein change: p.Arg1724Trp; replaces arginine 1724 with tryptophan.
Molecular consequence: missense variant.
Genome position (GRCh38, 1-based): chrX:154,928,620, T>A on the plus strand (A>T on the coding strand, the complement: F8 is on the minus strand). VCF-style: chrX-154928620-T-A. GRCh37 (hg19) VCF-style: chrX-154156895-T-A.
Other names: short protein forms R1724W.
Identifiers: ClinVar variation 4979247 (VCV004979247.1).
Genomic context (GRCh38, chrX:154,928,620, plus strand): 5'-TGCATTCATACCTGTTTCTTAGAACATGTGGGGAGCTACTCATCCCATAATCCCAGAGCC[T>A]CTCCACTGCAGCAATAAAATAGTGTCGTGTTTTCTTTTGAAAGCTGCGGGGGCTCTGATT-3'
Protein context (NP_000123.1, residues 1714-1734): TRHYFIAAVE[Arg1724Trp]LWDYGMSSSP

ClinVar aggregate classification (germline): Uncertain significance (1 of 4 stars; one submission).

Conditions:
F8-related disorder. Also called: F8-related condition.

Submission:

PreventionGenetics, part of Exact Sciences
Classification: Uncertain significance for F8-related condition. Last evaluated: 2026-01-29. Review status: criteria provided, single submitter. Criteria: ACMG Guidelines, 2015. Collection method: clinical testing. Allele origin: germline.
Comment: The F8 c.5170A>T variant is predicted to result in the amino acid substitution p.Arg1724Trp. To our knowledge, this variant has not been reported in the literature or in a large population database (gnomAD), indicating this variant is rare. At this time, the clinical significance of this variant is uncertain due to the absence of conclusive functional and genetic evidence.